The following is an entry in ClinVar:

ClinVar aggregate classification (germline): Likely benign (0 of 4 stars; one submission).

Conditions:
TTC12-related disorder. Also called: TTC12-related condition.

Allele frequency attached by ClinVar (database versions not stated): gnomAD exomes 0.00001; ExAC 0.00009; 1000 Genomes Project 30x 0.00016; gnomAD 0.00019; TOPMed 0.00019; 1000 Genomes Project 0.00020; ESP Exome Variant Server 0.00023.
gnomAD v4.1: 46 of 1,602,250 alleles (0.0029%); highest among the groups gnomAD compares: African/African-American, 0.053%; no homozygotes.

Submission:

PreventionGenetics, part of Exact Sciences
Classification: Likely benign for TTC12-related condition. Last evaluated: 2021-09-09. Review status: no assertion criteria provided. Collection method: clinical testing. Allele origin: germline.
Comment: This variant is classified as likely benign based on ACMG/AMP sequence variant interpretation guidelines (Richards et al. 2015 PMID: 25741868, with internal and published modifications).

NM_017868.4(TTC12):c.1713G>T (p.Leu571=)

Gene: TTC12 (tetratricopeptide repeat domain 12; plus strand). Cytogenetic location: 11q23.2.
Variant type: single nucleotide variant.
Coding change: c.1713G>T on transcript NM_017868.4 (MANE Select); coding-DNA position 1713, G replaced by T.
Protein change: p.Leu571=; no amino-acid change (leucine 571 retained).
Molecular consequence: synonymous variant. On other transcripts: non-coding transcript variant (3).
Genome position (GRCh38, 1-based): chr11:113,362,499, G>T. VCF-style: chr11-113362499-G-T. GRCh37 (hg19) VCF-style: chr11-113233221-G-T.
Other names: c.1731G>T, p.Leu577= (NM_001318533.2); c.1638G>T, p.Leu546= (NM_001352037.2); c.1716G>T, p.Leu572= (NM_001378063.1); c.1713G>T, p.Leu571= (NM_001378064.1, NM_001378065.1).
Identifiers: ClinVar variation 3054040 (VCV003054040.2), dbSNP rs144336451, ClinGen allele CA6280262.
Genomic context (GRCh38, chr11:113,362,499, plus strand): 5'-TCTGAAAATTGTTGAGGAGGCCTTGCGAGCAGGAGTGGTAAAGAAAATGATGAAATTCCT[G>T]AAGGTAAGATCACTTTATTGGTTACAACCCCTGAAATGTACAGAAGTCTCCTATTTTATT-3'
Protein context (NP_060338.3, residues 561-581): AGVVKKMMKF[Leu571=]KTGGETASRY